The following is an entry in ClinVar:

ClinVar aggregate classification (germline): Uncertain significance. Review status: criteria provided, multiple submitters, no conflicts (2 of 4 stars). 3 submissions from 3 submitters: Uncertain significance (3). Last evaluated 2026-06-23.

Conditions:
FGFR3-related chondrodysplasia. Identifiers: Orphanet 93420, MedGen C5681604, MONDO:0019685.

Allele frequency attached by ClinVar (database versions not stated): ExAC 0.00001.
gnomAD v4.1: 5 of 1,612,796 alleles (0.00031%); highest among the groups gnomAD compares: East Asian, 0.0022%; no homozygotes.

Submissions (3):

Genomenon, Inc
Classification: Uncertain significance for FGFR3-related chondrodysplasia. Last evaluated: 2026-06-23. Review status: criteria provided, single submitter. Criteria: Genomenon Sequence Variant Interpretation Standards - Updated. Collection method: curation. Allele origin: germline. Affected: no.
Comment: FGFR3 p.Pro283Thr (c.847C>A) is a missense variant that changes the amino acid at codon 283 from Proline to Threonine. This variant has been reported in the published literature (PMID:24127277;41062690). It is absent or not present at a significant frequency in gnomAD. In silico models predict that this variant is possibly or probably damaging. In conclusion, we classify FGFR3 p.Pro283Thr (c.847C>A) as a variant of uncertain significance.

Labcorp Genetics (formerly Invitae), Labcorp
Classification: Uncertain significance. Last evaluated: 2024-11-21. Review status: criteria provided, single submitter. Criteria: Invitae Variant Classification Sherloc (09022015). Collection method: clinical testing. Allele origin: germline.
Comment: This sequence change replaces proline, which is neutral and non-polar, with threonine, which is neutral and polar, at codon 283 of the FGFR3 protein (p.Pro283Thr). The frequency data for this variant in the population databases is considered unreliable, as metrics indicate poor data quality at this position in the gnomAD database. This missense change has been observed in individual(s) with 24127277 (craniosynostosis). ClinVar contains an entry for this variant (Variation ID: 1218316). Invitae Evidence Modeling of protein sequence and biophysical properties (such as structural, functional, and spatial information, amino acid conservation, physicochemical variation, residue mobility, and thermodynamic stability) indicates that this missense variant is expected to disrupt FGFR3 protein function with a positive predictive value of 80%. In summary, the available evidence is currently insufficient to determine the role of this variant in disease. Therefore, it has been classified as a Variant of Uncertain Significance.

GeneDx
Classification: Uncertain significance. Last evaluated: 2019-07-18. Review status: criteria provided, single submitter. Criteria: GeneDx Variant Classification Process June 2021. Collection method: clinical testing. Allele origin: germline. Affected: yes.
Comment: In silico analysis, which includes protein predictors and evolutionary conservation, supports a deleterious effect; This variant is associated with the following publications: (PMID: 24127277)

Literature cited by the submitters: PubMed 24127277 (cited by Genomenon, Inc); PubMed 41062690 (cited by Genomenon, Inc).

NM_000142.5(FGFR3):c.847C>A (p.Pro283Thr)

Gene: FGFR3 (fibroblast growth factor receptor 3; plus strand). Cytogenetic location: 4p16.3.
Variant type: single nucleotide variant.
Coding change: c.847C>A on transcript NM_000142.5 (MANE Select); coding-DNA position 847, C replaced by A.
Protein change: p.Pro283Thr; replaces proline 283 with threonine.
Molecular consequence: missense variant. On other transcripts: non-coding transcript variant (1).
Genome position (GRCh38, 1-based): chr4:1,801,942, C>A. VCF-style: chr4-1801942-C-A. GRCh37 (hg19) VCF-style: chr4-1803669-C-A.
Other names: c.847C>A, p.Pro283Thr (NM_001163213.2, NM_001354809.2, NM_001354810.2 and 1 more transcripts); short protein forms P283T.
Identifiers: ClinVar variation 1218316 (VCV001218316.6), dbSNP rs769692611, ClinGen allele CA2809993.